The following is an entry in ClinVar:

ClinVar aggregate classification (germline): Likely pathogenic (1 of 4 stars; one submission).

Conditions:
Dilated cardiomyopathy 1G (CMD1G). Identifiers: Orphanet 154, MedGen C1858763, MONDO:0011400, OMIM 604145.
Autosomal recessive limb-girdle muscular dystrophy type 2J (LGMDR10). Also called: Limb-girdle muscular dystrophy, type 2J; MUSCULAR DYSTROPHY, LIMB-GIRDLE, AUTOSOMAL RECESSIVE 10. Identifiers: Orphanet 140922, MedGen C1837342, MONDO:0012127, OMIM 608807.

Submission:

Labcorp Genetics (formerly Invitae), Labcorp
Classification: Likely pathogenic for Dilated cardiomyopathy 1G; Autosomal recessive limb-girdle muscular dystrophy type 2J. Last evaluated: 2025-10-02. Review status: criteria provided, single submitter. Criteria: Invitae Variant Classification Sherloc (09022015). Collection method: clinical testing. Allele origin: germline.
Comment: This sequence change creates a premature translational stop signal (p.Ala24104Serfs*6) in the TTN gene. While this is not anticipated to result in nonsense mediated decay, it is expected to create a truncated TTN protein. This variant is not present in population databases (gnomAD no frequency). This variant has not been reported in the literature in individuals affected with TTN-related conditions. ClinVar contains an entry for this variant (Variation ID: 3755837). This variant is located in the A band of TTN (PMID: 25589632). Truncating variants in this region are significantly overrepresented in patients affected with dilated cardiomyopathy (PMID: 25589632). Truncating variants in this region have also been reported in individuals affected with autosomal recessive centronuclear myopathy (PMID: 23975875). In summary, the currently available evidence indicates that the variant is pathogenic, but additional data are needed to prove that conclusively. Therefore, this variant has been classified as Likely Pathogenic.

Literature cited by the submitters: PubMed 25589632; PubMed 23975875.

NM_001267550.2(TTN):c.72310_72317del (p.Ala24104fs)

Genes: TTN-AS1 (TTN antisense RNA 1; plus strand), TTN (titin; minus strand). Cytogenetic location: 2q31.2.
Variant type: Deletion.
Coding change: c.72310_72317del on transcript NM_001267550.2 (MANE Select); coding-DNA positions 72310 to 72317, 8 bases deleted (GCGACTAA; older notation c.72310_72317delGCGACTAA).
Protein change: p.Ala24104fs; shifts the reading frame from alanine 24104.
Molecular consequence: frameshift variant.
Genome position (GRCh38, 1-based): chr2:178,573,815-178,573,822, TTAGTCGC deleted on the plus strand (GCGACTAA on the coding strand, the reverse complement: TTN is on the minus strand); deleting any 8 consecutive bases within chr2:178,573,815-178,573,823 gives the same sequence; the c. name uses the placement nearest the transcript's 3' end. VCF-style (leftmost placement, unchanged base first): chr2-178573814-ATTAGTCGC-A. GRCh37 (hg19) VCF-style: chr2-179438541-ATTAGTCGC-A.
Other names: c.67387_67394del, p.Ala22463fs (NM_001256850.1); c.45115_45122del, p.Ala15039fs (NM_003319.4); c.64606_64613del, p.Ala21536fs (NM_133378.4); c.45490_45497del, p.Ala15164fs (NM_133432.3); c.45691_45698del, p.Ala15231fs (NM_133437.4); short protein forms A15039fs, A15164fs, A15231fs, A21536fs, A22463fs, A24104fs.
Identifiers: ClinVar variation 3755837 (VCV003755837.2).